The following is an entry in ClinVar:

NM_000426.4(LAMA2):c.8188C>T (p.Gln2730Ter)

Gene: LAMA2 (laminin subunit alpha 2; plus strand). Cytogenetic location: 6q22.33.
Variant type: single nucleotide variant.
Coding change: c.8188C>T on transcript NM_000426.4 (MANE Select); coding-DNA position 8188, C replaced by T.
Protein change: p.Gln2730Ter; replaces glutamine 2730 with a stop codon.
Molecular consequence: nonsense.
Genome position (GRCh38, 1-based): chr6:129,492,427, C>T. VCF-style: chr6-129492427-C-T. GRCh37 (hg19) VCF-style: chr6-129813572-C-T.
Other names: c.8176C>T, p.Gln2726Ter (NM_001079823.2); short protein forms Q2726*, Q2730*.
Identifiers: ClinVar variation 983651 (VCV000983651.10), dbSNP rs1784919273, ClinGen allele CA365631593.

ClinVar aggregate classification (germline): Pathogenic/Likely pathogenic. Review status: criteria provided, multiple submitters, no conflicts (2 of 4 stars). 3 submissions from 3 submitters: Pathogenic (1); Likely pathogenic (2). Last evaluated 2024-03-15.

Conditions:
Merosin deficient congenital muscular dystrophy (MDC1A). Also called: Congenital merosin-deficient muscular dystrophy 1A; Congenital Muscular Dystrophy Type 1A (MDC1A). Identifiers: Orphanet 258, MedGen C1263858, MONDO:0011925, OMIM 607855.
Muscular dystrophy, limb-girdle, autosomal recessive 23. Identifiers: Orphanet 565837, MedGen C4748327, MONDO:0029136, OMIM 618138.
LAMA2-related muscular dystrophy (LAMA2-RD). Also called: Laminin alpha 2-related dystrophy. Identifiers: MedGen C5679788, MONDO:0100228.

Submissions (3):

Fulgent Genetics
Classification: Likely pathogenic for Merosin deficient congenital muscular dystrophy; Muscular dystrophy, limb-girdle, autosomal recessive 23. Last evaluated: 2024-03-15. Review status: criteria provided, single submitter. Criteria: ACMG Guidelines, 2015. Collection method: clinical testing. Allele origin: germline.

Labcorp Genetics (formerly Invitae), Labcorp
Classification: Pathogenic for LAMA2-related muscular dystrophy. Last evaluated: 2023-12-11. Review status: criteria provided, single submitter. Criteria: Invitae Variant Classification Sherloc (09022015). Collection method: clinical testing. Allele origin: germline.
Comment: This sequence change creates a premature translational stop signal (p.Gln2730*) in the LAMA2 gene. It is expected to result in an absent or disrupted protein product. Loss-of-function variants in LAMA2 are known to be pathogenic (PMID: 18700894, 32904964). This variant is not present in population databases (gnomAD no frequency). This variant has not been reported in the literature in individuals affected with LAMA2-related conditions. ClinVar contains an entry for this variant (Variation ID: 983651). For these reasons, this variant has been classified as Pathogenic.

Myriad Genetics, Inc.
Classification: Likely pathogenic for LAMA2-related muscular dystrophy. Last evaluated: 2019-07-14. Review status: criteria provided, single submitter. Criteria: Myriad Autosomal Dominant, Autosomal Recessive and X-Linked Classification Criteria (2023). Collection method: clinical testing. Allele origin: unknown.
Comment: NM_000426.3(LAMA2):c.8188C>T(Q2730*) is expected to be pathogenic in the context of LAMA2-related muscular dystrophy. This variant is predicted to lead to an abnormal or absent protein product due to the creation of a premature termination codon in LAMA2, a gene where loss-of-function variants are known to be pathogenic. Please note: this variant was assessed in the context of healthy population screening.

Literature cited by the submitters: PubMed 18700894 (cited by Labcorp Genetics (formerly Invitae), Labcorp); PubMed 32904964 (cited by Labcorp Genetics (formerly Invitae), Labcorp).